The following is an entry in ClinVar:

NM_000359.3(TGM1):c.833G>A (p.Gly278Glu)

Gene: TGM1 (transglutaminase 1; minus strand). Cytogenetic location: 14q12.
Variant type: single nucleotide variant.
Coding change: c.833G>A on transcript NM_000359.3 (MANE Select); coding-DNA position 833, G replaced by A.
Protein change: p.Gly278Glu; replaces glycine 278 with glutamic acid.
Molecular consequence: missense variant.
Genome position (GRCh38, 1-based): chr14:24,259,983, C>T on the plus strand (G>A on the coding strand, the complement: TGM1 is on the minus strand). VCF-style: chr14-24259983-C-T. GRCh37 (hg19) VCF-style: chr14-24729189-C-T.
Other names: short protein forms G278E.
Identifiers: ClinVar variation 2089134 (VCV002089134.4), dbSNP rs1354167809, ClinGen allele CA389269973.

ClinVar aggregate classification (germline): Pathogenic (1 of 4 stars; one submission).

Allele frequency attached by ClinVar (database versions not stated): TOPMed below 0.00001; gnomAD 0.00001.
gnomAD v4.1: 1 of 1,614,046 alleles (0.000062%); highest among the groups gnomAD compares: Non-Finnish European, 0.000085%; no homozygotes.

Submission:

Labcorp Genetics (formerly Invitae), Labcorp
Classification: Pathogenic. Last evaluated: 2022-01-22. Review status: criteria provided, single submitter. Criteria: Invitae Variant Classification Sherloc (09022015). Collection method: clinical testing. Allele origin: germline.
Comment: This variant is not present in population databases (gnomAD no frequency). This sequence change replaces glycine, which is neutral and non-polar, with glutamic acid, which is acidic and polar, at codon 278 of the TGM1 protein (p.Gly278Glu). This missense change has been observed in individual(s) with clinical features of congenital ichthyosis (Invitae). In at least one individual the data is consistent with being in trans (on the opposite chromosome) from a pathogenic variant. For these reasons, this variant has been classified as Pathogenic. This variant disrupts the p.Gly278 amino acid residue in TGM1. Other variant(s) that disrupt this residue have been determined to be pathogenic (PMID: 22311480, 23689228, 28403434). This suggests that this residue is clinically significant, and that variants that disrupt this residue are likely to be disease-causing. Advanced modeling of protein sequence and biophysical properties (such as structural, functional, and spatial information, amino acid conservation, physicochemical variation, residue mobility, and thermodynamic stability) performed at Invitae indicates that this missense variant is expected to disrupt TGM1 protein function.

Literature cited by the submitters: PubMed 22311480; PubMed 23689228; PubMed 28403434.